The following is an entry in ClinVar:

NM_001846.4(COL4A2):c.3878-3C>T

Genes: COL4A2 (collagen type IV alpha 2 chain; plus strand), COL4A2-AS1 (COL4A2 antisense RNA 1; minus strand). Cytogenetic location: 13q34.
Variant type: single nucleotide variant.
Coding change: c.3878-3C>T on transcript NM_001846.4 (MANE Select); 3 bases into the intron before coding-DNA position 3878, C replaced by T.
Molecular consequence: intron variant.
Genome position (GRCh38, 1-based): chr13:110,503,118, C>T. VCF-style: chr13-110503118-C-T. GRCh37 (hg19) VCF-style: chr13-111155465-C-T.
Identifiers: ClinVar variation 1969530 (VCV001969530.5), dbSNP rs566626316, ClinGen allele CA256305777.
Genomic context (GRCh38, chr13:110,503,118, plus strand): 5'-GACTGCCCCCAGGGGCCTTGGGGCCCTGTTTAAACCCTCCTTTCTTGTCCCTAATGCCAA[C>T]AGGTTATCGGGGCCCACCAGGGCCACCAGGTTCTGCTGCTCTTCCTGGAAGCAAAGGTGA-3'

ClinVar aggregate classification (germline): Uncertain significance (1 of 4 stars; one submission).

Allele frequency attached by ClinVar (database versions not stated): gnomAD exomes below 0.00001; gnomAD 0.00001; 1000 Genomes Project 30x 0.00016; 1000 Genomes Project 0.00020.
gnomAD v4.1: 4 of 1,613,150 alleles (0.00025%); highest among the groups gnomAD compares: Admixed American, 0.0034%; no homozygotes.

Submission:

Labcorp Genetics (formerly Invitae), Labcorp
Classification: Uncertain significance. Last evaluated: 2024-10-16. Review status: criteria provided, single submitter. Criteria: Invitae Variant Classification Sherloc (09022015). Collection method: clinical testing. Allele origin: germline.
Comment: This sequence change falls in intron 41 of the COL4A2 gene. It does not directly change the encoded amino acid sequence of the COL4A2 protein. It affects a nucleotide within the consensus splice site. This variant is present in population databases (rs566626316, gnomAD 0.003%). This variant has not been reported in the literature in individuals affected with COL4A2-related conditions. ClinVar contains an entry for this variant (Variation ID: 1969530). Variants that disrupt the consensus splice site are a relatively common cause of aberrant splicing (PMID: 17576681, 9536098). Algorithms developed to predict the effect of sequence changes on RNA splicing suggest that this variant is not likely to affect RNA splicing. In summary, the available evidence is currently insufficient to determine the role of this variant in disease. Therefore, it has been classified as a Variant of Uncertain Significance.

Literature cited by the submitters: PubMed 17576681; PubMed 9536098.